The following is an entry in ClinVar:

NM_001159773.2(CANT1):c.273C>T (p.Tyr91=)

Gene: CANT1 (calcium activated nucleotidase 1; minus strand). Cytogenetic location: 17q25.3.
Variant type: single nucleotide variant.
Coding change: c.273C>T on transcript NM_001159773.2 (MANE Select); coding-DNA position 273, C replaced by T.
Protein change: p.Tyr91=; no amino-acid change (tyrosine 91 retained).
Molecular consequence: synonymous variant.
Genome position (GRCh38, 1-based): chr17:78,997,350, G>A on the plus strand (C>T on the coding strand, the complement: CANT1 is on the minus strand). VCF-style: chr17-78997350-G-A. GRCh37 (hg19) VCF-style: chr17-76993432-G-A.
Other names: c.273C>T, p.Tyr91= (NM_001159772.2, NM_138793.4).
Identifiers: ClinVar variation 2648383 (VCV002648383.27), dbSNP rs369008128, ClinGen allele CA8808770.

ClinVar aggregate classification (germline): Likely benign. Review status: criteria provided, multiple submitters, no conflicts (2 of 4 stars). 2 submissions from 2 submitters: Likely benign (2). Last evaluated 2023-12-09.

Allele frequency attached by ClinVar (database versions not stated): gnomAD 0.00001; TOPMed 0.00001; ESP Exome Variant Server 0.00008.
gnomAD v4.1: 7 of 1,613,922 alleles (0.00043%); highest among the groups gnomAD compares: Non-Finnish European, 0.00059%; no homozygotes.

Submissions (2):

Labcorp Genetics (formerly Invitae), Labcorp
Classification: Likely benign. Last evaluated: 2023-12-09. Review status: criteria provided, single submitter. Criteria: Invitae Variant Classification Sherloc (09022015). Collection method: clinical testing. Allele origin: germline.

CeGaT Center for Human Genetics Tuebingen
Classification: Likely benign. Last evaluated: 2023-01-01. Review status: criteria provided, single submitter. Criteria: CeGaT Center For Human Genetics Tuebingen Variant Classification Criteria Version 2. Collection method: clinical testing. Allele origin: germline. Affected: yes. Observed: 1 variant allele.
Comment: CANT1: BP4, BP7